The following is an entry in ClinVar:

NM_005902.4(SMAD3):c.262T>C (p.Tyr88His)

Gene: SMAD3 (SMAD family member 3; plus strand). Cytogenetic location: 15q22.33.
Variant type: single nucleotide variant.
Coding change: c.262T>C on transcript NM_005902.4 (MANE Select); coding-DNA position 262, T replaced by C.
Protein change: p.Tyr88His; replaces tyrosine 88 with histidine.
Molecular consequence: missense variant. On other transcripts: 5 prime UTR variant (3).
Genome position (GRCh38, 1-based): chr15:67,164,950, T>C. VCF-style: chr15-67164950-T-C. GRCh37 (hg19) VCF-style: chr15-67457288-T-C.
Other names: c.-54T>C (NM_001145102.2, NM_001407015.1, NM_001407016.1); c.130T>C, p.Tyr44His (NM_001145103.2); c.262T>C, p.Tyr88His (NM_001407011.1, NM_001407012.1, NM_001407013.1); c.115T>C, p.Tyr39His (NM_001407014.1); short protein forms Y39H, Y44H, Y88H.
Identifiers: ClinVar variation 2586821 (VCV002586821.2), dbSNP rs2505209698, ClinGen allele CA392953861.

ClinVar aggregate classification (germline): Uncertain significance (1 of 4 stars; one submission).

Conditions:
Familial thoracic aortic aneurysm and aortic dissection (TAAD). Also called: Thoracic aortic aneurysms and dissections. Identifiers: Orphanet 91387, MedGen C4707243, MONDO:0019625.

Submission:

Ambry Genetics
Classification: Uncertain significance for Familial thoracic aortic aneurysm and aortic dissection. Last evaluated: 2023-08-11. Review status: criteria provided, single submitter. Criteria: Ambry Variant Classification Scheme 2023. Collection method: clinical testing. Allele origin: germline.
Comment: The p.Y88H variant (also known as c.262T>C), located in coding exon 2 of the SMAD3 gene, results from a T to C substitution at nucleotide position 262. The tyrosine at codon 88 is replaced by histidine, an amino acid with similar properties. This amino acid position is conserved. In addition, this alteration is predicted to be deleterious by in silico analysis. Since supporting evidence is limited at this time, the clinical significance of this alteration remains unclear.